The following is an entry in ClinVar:

ClinVar aggregate classification (germline): Uncertain significance. Review status: criteria provided, single submitter (1 of 4 stars). 2 submissions from 2 submitters: Uncertain significance (1). 1 of the submissions does not count toward it. Last evaluated 2024-06-28.

Conditions:
Nemaline myopathy 2 (NEM2). Also called: Nemaline myopathy 2, autosomal recessive. Identifiers: MedGen C1850569, MONDO:0009725, OMIM 256030.

Allele frequency attached by ClinVar (database versions not stated): ExAC 0.00001; gnomAD 0.00002; gnomAD exomes 0.00002; TOPMed 0.00003.
gnomAD v4.1: 67 of 1,613,682 alleles (0.0042%); highest among the groups gnomAD compares: Non-Finnish European, 0.0052%; no homozygotes.

Submissions (2):

Labcorp Genetics (formerly Invitae), Labcorp
Classification: Uncertain significance for Nemaline myopathy 2. Last evaluated: 2024-06-28. Review status: criteria provided, single submitter. Criteria: Invitae Variant Classification Sherloc (09022015). Collection method: clinical testing. Allele origin: germline.
Comment: This sequence change replaces phenylalanine, which is neutral and non-polar, with leucine, which is neutral and non-polar, at codon 502 of the NEB protein (p.Phe502Leu). This variant is present in population databases (rs759653954, gnomAD 0.004%). This variant has not been reported in the literature in individuals affected with NEB-related conditions. ClinVar contains an entry for this variant (Variation ID: 652490). Experimental studies and prediction algorithms are not available or were not evaluated, and the functional significance of this variant is currently unknown. In summary, the available evidence is currently insufficient to determine the role of this variant in disease. Therefore, it has been classified as a Variant of Uncertain Significance.

Natera, Inc.
Classification: Uncertain significance for Nemaline myopathy type 2. Last evaluated: 2021-03-05. Review status: no assertion criteria provided. Collection method: clinical testing. Allele origin: germline. Not counted in ClinVar's aggregate classification.

NM_001164508.2(NEB):c.1504T>C (p.Phe502Leu)

Gene: NEB (nebulin; minus strand). Cytogenetic location: 2q23.3.
Variant type: single nucleotide variant.
Coding change: c.1504T>C on transcript NM_001164508.2 (MANE Select); coding-DNA position 1504, T replaced by C.
Protein change: p.Phe502Leu; replaces phenylalanine 502 with leucine.
Molecular consequence: missense variant.
Genome position (GRCh38, 1-based): chr2:151,696,702, A>G on the plus strand (T>C on the coding strand, the complement: NEB is on the minus strand). VCF-style: chr2-151696702-A-G. GRCh37 (hg19) VCF-style: chr2-152553216-A-G.
Other names: c.1504T>C, p.Phe502Leu (NM_001164507.2, NM_001271208.2, NM_004543.5); short protein forms F502L.
Identifiers: ClinVar variation 652490 (VCV000652490.11), dbSNP rs759653954, ClinGen allele CA1911550.
Genomic context (GRCh38, chr2:151,696,702, plus strand): 5'-TCAGTTGTTTGGAATTGACTTGGGCTTGTAGCAGAACAGGAGAGTCTGTAACTTGGGTGA[A>G]TTTTGTCTTATCTGGATGGACTTTGTAGGTGTGCTGTGGGGAAGCAAAGGCATTTGGTTT-3'
Protein context (NP_001157980.2, residues 492-512): TYKVHPDKTK[Phe502Leu]TQVTDSPVLL